The following is an entry in ClinVar:

ClinVar aggregate classification (germline): Uncertain significance. Review status: criteria provided, multiple submitters, no conflicts (2 of 4 stars). 4 submissions from 4 submitters: Uncertain significance (4). Last evaluated 2025-03-31.

Conditions:
Inborn genetic diseases. Identifiers: MedGen C0950123, MeSH D030342.
Fanconi anemia complementation group P. Also called: SLX4-Related Fanconi Anemia. Identifiers: Orphanet 84, MedGen C3469542, MONDO:0013499, OMIM 613951.
Fanconi anemia (FA). Also called: Fanconi's anemia. Identifiers: Orphanet 84, MedGen C0015625, MeSH D005199, MONDO:0019391.

Allele frequency attached by ClinVar (database versions not stated): gnomAD exomes below 0.00001 and 0.00001; gnomAD 0.00001; TOPMed 0.00001.
gnomAD v4.1: 7 of 1,614,042 alleles (0.00043%); highest among the groups gnomAD compares: Non-Finnish European, 0.00051%; no homozygotes.

Submissions (4):

Ambry Genetics
Classification: Uncertain significance for Inborn genetic diseases. Last evaluated: 2025-03-31. Review status: criteria provided, single submitter. Criteria: Ambry Variant Classification Scheme 2023. Collection method: clinical testing. Allele origin: germline.

Fulgent Genetics
Classification: Uncertain significance for Fanconi anemia complementation group P. Last evaluated: 2024-04-25. Review status: criteria provided, single submitter. Criteria: ACMG Guidelines, 2015. Collection method: clinical testing. Allele origin: germline.

Labcorp Genetics (formerly Invitae), Labcorp
Classification: Uncertain significance for Fanconi anemia. Last evaluated: 2022-04-24. Review status: criteria provided, single submitter. Criteria: Invitae Variant Classification Sherloc (09022015). Collection method: clinical testing. Allele origin: germline.
Comment: In summary, the available evidence is currently insufficient to determine the role of this variant in disease. Therefore, it has been classified as a Variant of Uncertain Significance. Algorithms developed to predict the effect of missense changes on protein structure and function (SIFT, PolyPhen-2, Align-GVGD) all suggest that this variant is likely to be disruptive. ClinVar contains an entry for this variant (Variation ID: 887100). This variant has not been reported in the literature in individuals affected with SLX4-related conditions. This variant is present in population databases (no rsID available, gnomAD 0.004%). This sequence change replaces proline, which is neutral and non-polar, with serine, which is neutral and polar, at codon 1562 of the SLX4 protein (p.Pro1562Ser).

Illumina Laboratory Services, Illumina
Classification: Uncertain significance for Fanconi anemia complementation group P. Last evaluated: 2018-01-13. Review status: criteria provided, single submitter. Criteria: ICSL Variant Classification Criteria 13 December 2019. Collection method: clinical testing. Allele origin: germline.

NM_032444.4(SLX4):c.4684C>T (p.Pro1562Ser)

Gene: SLX4 (SLX4 structure-specific endonuclease subunit; minus strand). Cytogenetic location: 16p13.3.
Variant type: single nucleotide variant.
Coding change: c.4684C>T on transcript NM_032444.4 (MANE Select); coding-DNA position 4684, C replaced by T.
Protein change: p.Pro1562Ser; replaces proline 1562 with serine.
Molecular consequence: missense variant.
Genome position (GRCh38, 1-based): chr16:3,584,824, G>A on the plus strand (C>T on the coding strand, the complement: SLX4 is on the minus strand). VCF-style: chr16-3584824-G-A. GRCh37 (hg19) VCF-style: chr16-3634825-G-A.
Other names: short protein forms P1562S.
Identifiers: ClinVar variation 887100 (VCV000887100.8), dbSNP rs893507870, ClinGen allele CA276953526.
Genomic context (GRCh38, chr16:3,584,824, plus strand): 5'-CCAACCTATCCAGTTCCTTCTTCAGCACCGGCGTCTCCATAATGGAATACTGTGGCATCG[G>A]CGTTATGGGCACTTTGGGGGGCAAGTTCTTCTTCCGATTAGCACCTTCTGGGTAAAACAA-3'
Protein context (NP_115820.2, residues 1552-1572): KNLPPKVPIT[Pro1562Ser]MPQYSIMETP